The following is an entry in ClinVar:

ClinVar aggregate classification (germline): Pathogenic (1 of 4 stars; one submission).

Conditions:
RYR1-related disorder. Also called: RYR1-related condition; RYR1-related disorders. Identifiers: MedGen CN239331.

Submission:

Labcorp Genetics (formerly Invitae), Labcorp
Classification: Pathogenic for RYR1-related disorder. Last evaluated: 2025-08-03. Review status: criteria provided, single submitter. Criteria: Invitae Variant Classification Sherloc (09022015). Collection method: clinical testing. Allele origin: germline.
Comment: This sequence change creates a premature translational stop signal (p.Glu2820Aspfs*4) in the RYR1 gene. It is expected to result in an absent or disrupted protein product. Loss-of-function variants in RYR1 are known to be pathogenic (PMID: 23919265, 25960145, 28818389, 30611313). This variant is not present in population databases (gnomAD no frequency). This premature translational stop signal has been observed in individual(s) with autosomal recessive RYR1-related conditions (PMID: 36833224). ClinVar contains an entry for this variant (Variation ID: 3623031). For these reasons, this variant has been classified as Pathogenic.

Literature cited by the submitters: PubMed 23919265; PubMed 25960145; PubMed 28818389; PubMed 30611313; PubMed 36833224.

NM_000540.3(RYR1):c.8460del (p.Glu2820fs)

Genes: RYR1 (ryanodine receptor 1; plus strand), LOC126862902 (BRD4-independent group 4 enhancer GRCh37_chr19:38995830-38997029; plus strand). Cytogenetic location: 19q13.2.
Variant type: Deletion.
Coding change: c.8460del on transcript NM_000540.3 (MANE Select); coding-DNA position 8460, one base deleted (A; older notation c.8460delA).
Protein change: p.Glu2820fs; shifts the reading frame from glutamic acid 2820.
Molecular consequence: frameshift variant.
Genome position (GRCh38, 1-based): chr19:38,505,865, A deleted; the last of 2 consecutive A bases (chr19:38,505,864-38,505,865); deleting either gives the same sequence. VCF-style (leftmost placement, unchanged base first): chr19-38505863-GA-G. GRCh37 (hg19) VCF-style: chr19-38996503-GA-G.
Other names: c.8460del, p.Glu2820fs (NM_001042723.2); short protein forms E2820fs.
Identifiers: ClinVar variation 3623031 (VCV003623031.2).
Genomic context (GRCh38, chr19:38,505,863, plus strand): 5'-CAGGACAAAGAGATTTACCGCTGGCCCATCAAGGAGTCCCTGAAGGCCATGATTGCCTGG[GA>G]ATGGACGATAGAGAAGGCCAGGGAGGGTGAGGAGGAGAAGACGGAAAAGAAAAAAACGCG-3'